The following is an entry in ClinVar:

ClinVar aggregate classification (germline): Conflicting classifications of pathogenicity. Review status: criteria provided, conflicting classifications (1 of 4 stars). 2 submissions from 2 submitters: Pathogenic (1); Uncertain significance (1). Last evaluated 2026-02-26.

Submissions (2):

GeneDx
Classification: Pathogenic. Last evaluated: 2026-02-26. Review status: criteria provided, single submitter. Criteria: GeneDx Variant Classification Process June 2021. Collection method: clinical testing. Allele origin: germline.
Comment: Not observed at significant frequency in large population cohorts (gnomAD); In silico analysis supports that this missense variant has a deleterious effect on protein structure/function; Has not been previously published as pathogenic or benign to our knowledge

Labcorp Genetics (formerly Invitae), Labcorp
Classification: Uncertain significance. Last evaluated: 2024-11-05. Review status: criteria provided, single submitter. Criteria: Invitae Variant Classification Sherloc (09022015). Collection method: clinical testing. Allele origin: germline.
Comment: This sequence change replaces alanine, which is neutral and non-polar, with threonine, which is neutral and polar, at codon 302 of the TUBB2A protein (p.Ala302Thr). This variant is not present in population databases (gnomAD no frequency). This variant has not been reported in the literature in individuals affected with TUBB2A-related conditions. ClinVar contains an entry for this variant (Variation ID: 2662878). Invitae Evidence Modeling of protein sequence and biophysical properties (such as structural, functional, and spatial information, amino acid conservation, physicochemical variation, residue mobility, and thermodynamic stability) indicates that this missense variant is expected to disrupt TUBB2A protein function with a positive predictive value of 80%. In summary, the available evidence is currently insufficient to determine the role of this variant in disease. Therefore, it has been classified as a Variant of Uncertain Significance.

NM_001069.3(TUBB2A):c.904G>A (p.Ala302Thr)

Gene: TUBB2A (tubulin beta 2A class IIa; minus strand). Cytogenetic location: 6p25.2.
Variant type: single nucleotide variant.
Coding change: c.904G>A on transcript NM_001069.3 (MANE Select); coding-DNA position 904, G replaced by A.
Protein change: p.Ala302Thr; replaces alanine 302 with threonine.
Molecular consequence: missense variant.
Genome position (GRCh38, 1-based): chr6:3,154,297, C>T on the plus strand (G>A on the coding strand, the complement: TUBB2A is on the minus strand). VCF-style: chr6-3154297-C-T. GRCh37 (hg19) VCF-style: chr6-3154531-C-T.
Other names: c.649G>A, p.Ala217Thr (NM_001310315.2); short protein forms A217T, A302T.
Identifiers: ClinVar variation 2662878 (VCV002662878.5), dbSNP rs2533524160, ClinGen allele CA362591693.